The following is an entry in ClinVar:

NM_001365536.1(SCN9A):c.5214C>G (p.Phe1738Leu)

Genes: SCN9A (sodium voltage-gated channel alpha subunit 9; minus strand), SCN1A-AS1 (SCN1A and SCN9A antisense RNA 1; plus strand). Cytogenetic location: 2q24.3.
Variant type: single nucleotide variant.
Coding change: c.5214C>G on transcript NM_001365536.1 (MANE Select); coding-DNA position 5214, C replaced by G.
Protein change: p.Phe1738Leu; replaces phenylalanine 1738 with leucine.
Molecular consequence: missense variant.
Genome position (GRCh38, 1-based): chr2:166,199,425, G>C on the plus strand (C>G on the coding strand, the complement: SCN9A is on the minus strand). VCF-style: chr2-166199425-G-C. GRCh37 (hg19) VCF-style: chr2-167055935-G-C.
Other names: c.5181C>G, p.Phe1727Leu (NM_002977.4); short protein forms F1727L, F1738L.
Identifiers: ClinVar variation 3763396 (VCV003763396.2).

ClinVar aggregate classification (germline): Uncertain significance (1 of 4 stars; one submission).

Conditions:
Neuropathy, hereditary sensory and autonomic, type 2A (HSAN2A). Also called: NEUROPATHY, HEREDITARY SENSORY RADICULAR, AUTOSOMAL RECESSIVE; NEUROPATHY, HEREDITARY SENSORY, TYPE IIA; NEUROPATHY, PROGRESSIVE SENSORY, OF CHILDREN; WNK1-Related HSAN2 (HSAN2A); ACROOSTEOLYSIS, GIACCAI TYPE; ACROOSTEOLYSIS, NEUROGENIC. Identifiers: Orphanet 970, MedGen C2752089, MONDO:0024309, OMIM 201300.
Generalized epilepsy with febrile seizures plus, type 7 (GEFSP7). Also called: GEFS+, TYPE 7. Identifiers: Orphanet 36387, MedGen C2751778, MONDO:0013470, OMIM 613863.

gnomAD v4.1: 10 of 1,614,048 alleles (0.00062%); highest among the groups gnomAD compares: Non-Finnish European, 0.00085%; no homozygotes.

Submission:

Labcorp Genetics (formerly Invitae), Labcorp
Classification: Uncertain significance for Neuropathy, hereditary sensory and autonomic, type 2A; Generalized epilepsy with febrile seizures plus, type 7. Last evaluated: 2024-02-01. Review status: criteria provided, single submitter. Criteria: Invitae Variant Classification Sherloc (09022015). Collection method: clinical testing. Allele origin: germline.
Comment: This sequence change replaces phenylalanine, which is neutral and non-polar, with leucine, which is neutral and non-polar, at codon 1727 of the SCN9A protein (p.Phe1727Leu). This variant is not present in population databases (gnomAD no frequency). This variant has not been reported in the literature in individuals affected with SCN9A-related conditions. Advanced modeling of protein sequence and biophysical properties (such as structural, functional, and spatial information, amino acid conservation, physicochemical variation, residue mobility, and thermodynamic stability) performed at Invitae indicates that this missense variant is not expected to disrupt SCN9A protein function with a negative predictive value of 95%. In summary, the available evidence is currently insufficient to determine the role of this variant in disease. Therefore, it has been classified as a Variant of Uncertain Significance.